The following is an entry in ClinVar:

ClinVar aggregate classification (germline): Likely pathogenic. Review status: criteria provided, multiple submitters, no conflicts (2 of 4 stars). 2 submissions from 2 submitters: Likely pathogenic (2). Last evaluated 2025-10-14.

Conditions:
Congenital microcephaly - severe encephalopathy - progressive cerebral atrophy syndrome. Also called: ASNS DEFICIENCY; Asparagine synthetase deficiency. Identifiers: Orphanet 391376, MedGen C3809971, MONDO:0014258, OMIM 615574.
ASNS-related disorder. Also called: ASNS-related condition.

gnomAD v4.1: 8 of 1,607,138 alleles (0.0005%); highest among the groups gnomAD compares: Non-Finnish European, 0.00068%; no homozygotes.

Submissions (2):

Natera, Inc.
Classification: Likely pathogenic for Asparagine synthetase deficiency. Last evaluated: 2025-10-14. Review status: criteria provided, single submitter. Criteria: Natera Variant Classification Schema (03/2026). Collection method: clinical testing. Allele origin: germline.
Comment: The c.1321-1G>A variant in ASNS is a canonical splice acceptor site variant predicted to affect pre-mRNA splicing, which may result in an abnormal transcript and altered protein product. This variant is expected to result in nonsense mediated decay, truncation, or a dysfunctional protein product. This variant is rare in the general population with a frequency below the threshold expected for the associated phenotype(s). Given the available evidence, this variant is classified as Likely Pathogenic.

Blueprint Genetics
Classification: Likely pathogenic for ASNS-related disorders. Last evaluated: 2020-12-08. Review status: criteria provided, single submitter. Criteria: ACMG Guidelines, 2015. Collection method: clinical testing. Allele origin: germline. Affected: yes. Observed: 1 variant allele.

NM_001673.5(ASNS):c.1321-1G>A

Genes: ASNS (asparagine synthetase (glutamine-hydrolyzing); minus strand), CZ1P-ASNS (CZ1P-ASNS readthrough; minus strand). Cytogenetic location: 7q21.3.
Variant type: single nucleotide variant.
Coding change: c.1321-1G>A on transcript NM_001673.5 (MANE Select); the canonical splice acceptor site of the intron before coding-DNA position 1321, G replaced by A.
Molecular consequence: splice acceptor variant.
Genome position (GRCh38, 1-based): chr7:97,853,216, C>T on the plus strand (G>A on the coding strand, the complement: ASNS is on the minus strand). VCF-style: chr7-97853216-C-T. GRCh37 (hg19) VCF-style: chr7-97482528-C-T.
Other names: c.1321-1G>A (NM_001352496.2, NM_183356.4, NM_133436.3); c.1072-1G>A (NM_001178076.2, NM_001178077.1); c.1258-1G>A (NM_001178075.2).
Identifiers: ClinVar variation 4816501 (VCV004816501.2).